The following is an entry in ClinVar:

NM_007327.4(GRIN1):c.1864+6G>T

Gene: GRIN1 (glutamate ionotropic receptor NMDA type subunit 1; plus strand). Cytogenetic location: 9q34.3.
Variant type: single nucleotide variant.
Coding change: c.1864+6G>T on transcript NM_007327.4 (MANE Select); 6 bases into the intron after coding-DNA position 1864, G replaced by T.
Molecular consequence: intron variant.
Genome position (GRCh38, 1-based): chr9:137,162,522, G>T. VCF-style: chr9-137162522-G-T. GRCh37 (hg19) VCF-style: chr9-140056974-G-T.
Other names: c.1927+6G>T (NM_001185090.2, NM_001185091.2); c.1864+6G>T (NM_021569.4, NM_000832.7).
Identifiers: ClinVar variation 3252723 (VCV003252723.1), dbSNP rs2538639727.
Genomic context (GRCh38, chr9:137,162,522, plus strand): 5'-TCCTCGGCCATGTGGTTCTCCTGGGGCGTCCTGCTCAACTCCGGCATCGGGGAAGGTAAG[G>T]CCCCGCCCGGCCCGCCTGGTCCCGCCTCGGCCCTCTAGGGTCTGACAGAGCCCCCCGCCC-3'

ClinVar aggregate classification (germline): Uncertain significance (1 of 4 stars; one submission).

Submission:

GeneDx
Classification: Uncertain significance. Last evaluated: 2023-12-18. Review status: criteria provided, single submitter. Criteria: GeneDx Variant Classification Process June 2021. Collection method: clinical testing. Allele origin: germline. Affected: yes.
Comment: Not observed at significant frequency in large population cohorts (gnomAD); In silico analysis supports that this variant does not alter splicing; Has not been previously published as pathogenic or benign to our knowledge